The following is an entry in ClinVar:

NM_022124.6(CDH23):c.3242G>A (p.Arg1081Gln)

Genes: C10orf105 (chromosome 10 open reading frame 105; minus strand), CDH23 (cadherin related 23; plus strand). Cytogenetic location: 10q22.1.
Variant type: single nucleotide variant.
Coding change: c.3242G>A on transcript NM_022124.6 (MANE Select); coding-DNA position 3242, G replaced by A.
Protein change: p.Arg1081Gln; replaces arginine 1081 with glutamine.
Molecular consequence: missense variant. On other transcripts: 3 prime UTR variant (2).
Genome position (GRCh38, 1-based): chr10:71,712,686, G>A. VCF-style: chr10-71712686-G-A. GRCh37 (hg19) VCF-style: chr10-73472443-G-A.
Other names: c.*3250C>T (NM_001164375.3, NM_001168390.2); c.3242G>A, p.Arg1081Gln (NM_001171930.2); short protein forms R1081Q.
Identifiers: ClinVar variation 842718 (VCV000842718.7), dbSNP rs752776373, ClinGen allele CA5544534.

ClinVar aggregate classification (germline): Uncertain significance (1 of 4 stars; one submission).

Allele frequency attached by ClinVar (database versions not stated): gnomAD exomes below 0.00001 and 0.00001; ExAC 0.00001; TOPMed 0.00001; gnomAD 0.00002 and 0.00003.
gnomAD v4.1: 8 of 1,613,562 alleles (0.0005%); highest among the groups gnomAD compares: African/African-American, 0.004%; no homozygotes.

Submission:

Labcorp Genetics (formerly Invitae), Labcorp
Classification: Uncertain significance. Last evaluated: 2021-08-28. Review status: criteria provided, single submitter. Criteria: Invitae Variant Classification Sherloc (09022015). Collection method: clinical testing. Allele origin: germline.
Comment: This sequence change replaces arginine with glutamine at codon 1081 of the CDH23 protein (p.Arg1081Gln). The arginine residue is highly conserved and there is a small physicochemical difference between arginine and glutamine. This variant is present in population databases (rs752776373, ExAC 0.006%). This variant has not been reported in the literature in individuals affected with CDH23-related conditions. Algorithms developed to predict the effect of missense changes on protein structure and function are either unavailable or do not agree on the potential impact of this missense change (SIFT: "Deleterious"; PolyPhen-2: "Not Available"; Align-GVGD: "Class C35"). In summary, the available evidence is currently insufficient to determine the role of this variant in disease. Therefore, it has been classified as a Variant of Uncertain Significance.